The following is an entry in ClinVar:

NM_001354604.2(MITF):c.506T>C (p.Met169Thr)

Gene: MITF (melanocyte inducing transcription factor; plus strand). Cytogenetic location: 3p13.
Variant type: single nucleotide variant.
Coding change: c.506T>C on transcript NM_001354604.2 (MANE Select); coding-DNA position 506, T replaced by C.
Protein change: p.Met169Thr; replaces methionine 169 with threonine.
Molecular consequence: missense variant. On other transcripts: intron variant (1).
Genome position (GRCh38, 1-based): chr3:69,937,973, T>C. VCF-style: chr3-69937973-T-C. GRCh37 (hg19) VCF-style: chr3-69987124-T-C.
Other names: c.185T>C, p.Met62Thr (NM_000248.4, NM_001184968.2, NM_198158.3); c.350T>C, p.Met117Thr (NM_001184967.2, NM_001354608.2); c.503T>C, p.Met168Thr (NM_001354605.2, NM_001354606.2, NM_006722.3); c.455T>C, p.Met152Thr (NM_001354607.2); c.506T>C, p.Met169Thr (NM_198159.3); c.458T>C, p.Met153Thr (NM_198177.3); c.93+92T>C (NM_198178.3); short protein forms M117T, M152T, M153T, M62T, M168T, M169T.
Identifiers: ClinVar variation 3396334 (VCV003396334.1).

ClinVar aggregate classification (germline): Uncertain significance (1 of 4 stars; one submission).

Conditions:
Hereditary cancer-predisposing syndrome. Also called: Hereditary Cancer Syndrome; Tumor predisposition; Hereditary neoplastic syndrome; Neoplastic Syndromes, Hereditary. Identifiers: Orphanet 140162, MedGen C0027672, MeSH D009386, MONDO:0015356.

Submission:

Ambry Genetics
Classification: Uncertain significance for Hereditary cancer-predisposing syndrome. Last evaluated: 2024-11-21. Review status: criteria provided, single submitter. Criteria: Ambry Variant Classification Scheme 2023. Collection method: clinical testing. Allele origin: germline.
Comment: The p.M62T variant (also known as c.185T>C), located in coding exon 2 of the MITF gene, results from a T to C substitution at nucleotide position 185. The methionine at codon 62 is replaced by threonine, an amino acid with similar properties. This amino acid position is conserved. In addition, this alteration is predicted to be tolerated by in silico analysis. Based on the available evidence, the clinical significance of this variant remains unclear.